The following is an entry in ClinVar:

ClinVar aggregate classification (germline): Benign. Review status: criteria provided, multiple submitters, no conflicts (2 of 4 stars). 2 submissions from 2 submitters: Benign (2). Last evaluated 2018-06-14.

Allele frequency attached by ClinVar (database versions not stated): 1000 Genomes Project 30x 0.00843; 1000 Genomes Project 0.00919; TOPMed 0.01584; gnomAD 0.01980 and 0.02031; ESP Exome Variant Server 0.02007; ExAC 0.02042; gnomAD exomes 0.02070 and 0.02599.
gnomAD v4.1: 40,713 of 1,605,350 alleles (2.5%); highest among the groups gnomAD compares: Non-Finnish European, 2.8%; 687 homozygotes.

Submissions (2):

GeneDx
Classification: Benign. Last evaluated: 2018-06-14. Review status: criteria provided, single submitter. Criteria: GeneDx Variant Classification (06012015). Collection method: clinical testing. Allele origin: germline. Affected: yes.
Comment: This variant is considered likely benign or benign based on one or more of the following criteria: it is a conservative change, it occurs at a poorly conserved position in the protein, it is predicted to be benign by multiple in silico algorithms, and/or has population frequency not consistent with disease.

Breakthrough Genomics
Classification: Benign. Review status: criteria provided, single submitter. Criteria: ACMG Guidelines, 2015. Collection method: not provided. Allele origin: germline. Inheritance: Autosomal dominant inheritance. Affected: yes.

NM_000093.5(COL5A1):c.2844+41G>T

Gene: COL5A1 (collagen type V alpha 1 chain; plus strand). Cytogenetic location: 9q34.3.
Variant type: single nucleotide variant.
Coding change: c.2844+41G>T on transcript NM_000093.5 (MANE Select); 41 bases into the intron after coding-DNA position 2844, G replaced by T.
Molecular consequence: intron variant.
Genome position (GRCh38, 1-based): chr9:134,796,459, G>T. VCF-style: chr9-134796459-G-T. GRCh37 (hg19) VCF-style: chr9-137688305-G-T.
Other names: c.2844+41G>T (NM_001278074.1).
Identifiers: ClinVar variation 672274 (VCV000672274.2), dbSNP rs76043837, ClinGen allele CA5319620.